The following is an entry in ClinVar:

NM_004006.3(DMD):c.4694del (p.Gln1565fs)

Gene: DMD (dystrophin; minus strand). Cytogenetic location: Xp21.1.
Variant type: Deletion.
Coding change: c.4694del on transcript NM_004006.3 (MANE Select); coding-DNA position 4694, one base deleted (A; older notation c.4694delA).
Protein change: p.Gln1565fs; shifts the reading frame from glutamine 1565.
Molecular consequence: frameshift variant.
Genome position (GRCh38, 1-based): chrX:32,380,661, T deleted on the plus strand (A on the coding strand, the reverse complement: DMD is on the minus strand). VCF-style (leftmost placement, unchanged base first): chrX-32380660-CT-C. GRCh37 (hg19) VCF-style: chrX-32398777-CT-C.
Other names: c.4670del, p.Gln1557fs (NM_000109.4); c.4682del, p.Gln1561fs (NM_004009.3); c.4325del, p.Gln1442fs (NM_004010.3); c.671del, p.Gln224fs (NM_004011.4); c.662del, p.Gln221fs (NM_004012.4); short protein forms Q1557fs, Q1565fs, Q1442fs, Q224fs, Q1561fs, Q221fs.
Identifiers: ClinVar variation 1382675 (VCV001382675.1), dbSNP rs2147472734, ClinGen allele CA2573158671.

ClinVar aggregate classification (germline): Pathogenic (1 of 4 stars; one submission).

Conditions:
Duchenne muscular dystrophy (DMD). Also called: MUSCULAR DYSTROPHY, PSEUDOHYPERTROPHIC PROGRESSIVE, DUCHENNE TYPE; Duchenne Muscular Dystrophy (DMD). Identifiers: Orphanet 98896, MedGen C0013264, MONDO:0010679, OMIM 310200.

Submission:

Labcorp Genetics (formerly Invitae), Labcorp
Classification: Pathogenic for Duchenne muscular dystrophy. Last evaluated: 2021-01-31. Review status: criteria provided, single submitter. Criteria: Invitae Variant Classification Sherloc (09022015). Collection method: clinical testing. Allele origin: germline.
Comment: This sequence change creates a premature translational stop signal (p.Gln1565Argfs*6) in the DMD gene. It is expected to result in an absent or disrupted protein product. Loss-of-function variants in DMD are known to be pathogenic (PMID: 16770791, 25007885). This variant is not present in population databases (ExAC no frequency). This variant has not been reported in the literature in individuals with DMD-related conditions. For these reasons, this variant has been classified as Pathogenic.

Literature cited by the submitters: PubMed 16770791; PubMed 25007885.